The following is an entry in ClinVar:

NM_004985.5(KRAS):c.451-9G>A

Gene: KRAS (KRas proto-oncogene, GTPase; minus strand). Cytogenetic location: 12p12.1.
Variant type: single nucleotide variant.
Coding change: c.451-9G>A on transcript NM_004985.5 (MANE Select); 9 bases into the intron before coding-DNA position 451, G replaced by A.
Molecular consequence: intron variant.
Genome position (GRCh38, 1-based): chr12:25,209,920, C>T on the plus strand (G>A on the coding strand, the complement: KRAS is on the minus strand). VCF-style: chr12-25209920-C-T. GRCh37 (hg19) VCF-style: chr12-25362854-C-T.
Other names: p.?; c.451-9G>A (NM_001369787.1); c.*5-9G>A (NM_001369786.1, NM_033360.4).
Identifiers: ClinVar variation 40464 (VCV000040464.40), dbSNP rs12313763, ClinGen allele CA135579.
Genomic context (GRCh38, chr12:25,209,920, plus strand): 5'-CTTTATGTTTTCGAATTTCTCGAACTAATGTATAGAAGGCATCATCAACACCCTGAAATA[C>T]ATAAAAAGTATTAAAATGTGAATATATACGATGGCTTCATGTGTACAGGTAACAAATTTC-3'

ClinVar aggregate classification (germline): Benign/Likely benign. Review status: criteria provided, multiple submitters, no conflicts (2 of 4 stars). 13 submissions from 13 submitters: Benign (9); Likely benign (1). 3 of the submissions do not count toward it. Last evaluated 2026-02-04.

Conditions:
RASopathy. Also called: rasopathies; Noonan spectrum disorder. Identifiers: Orphanet 536391, MedGen C5555857, MONDO:0021060.
Noonan syndrome 3 (NS3). Also called: KRAS-Related Noonan Syndrome. Identifiers: Orphanet 648, MedGen C1860991, MONDO:0012371, OMIM 609942.

Allele frequency attached by ClinVar (database versions not stated): ExAC 0.02809; gnomAD 0.07930 and 0.08467; 1000 Genomes Project 0.08367; ESP Exome Variant Server 0.08748; TOPMed 0.08920; 1000 Genomes Project 30x 0.09119; gnomAD exomes 0.01056 and 0.02437.
gnomAD v4.1: 28,113 of 1,596,712 alleles (1.8%); highest among the groups gnomAD compares: African/African-American, 26%; 2,680 homozygotes.

Submissions (13):

Labcorp Genetics (formerly Invitae), Labcorp
Classification: Benign for RASopathy. Last evaluated: 2026-02-04. Review status: criteria provided, single submitter. Criteria: Invitae Variant Classification Sherloc (09022015). Collection method: clinical testing. Allele origin: germline.

ARUP Laboratories, Molecular Genetics and Genomics, ARUP Laboratories
Classification: Benign. Last evaluated: 2025-07-08. Review status: criteria provided, single submitter. Criteria: ARUP Molecular Germline Variant Investigation Process 2024. Collection method: clinical testing. Allele origin: germline.

Blueprint Genetics
Classification: Likely benign. Last evaluated: 2024-11-27. Review status: criteria provided, single submitter. Criteria: ACMG Guidelines, 2015. Collection method: clinical testing. Allele origin: germline.

Illumina Laboratory Services, Illumina
Classification: Benign for Noonan syndrome 3. Last evaluated: 2018-01-13. Review status: criteria provided, single submitter. Criteria: ICSL Variant Classification Criteria 13 December 2019. Collection method: clinical testing. Allele origin: germline.
Comment: This variant was observed in the ICSL laboratory as part of a predisposition screen in an ostensibly healthy population. It had not been previously curated by ICSL or reported in the Human Gene Mutation Database (HGMD: prior to June 1st, 2018), and was therefore a candidate for classification through an automated scoring system. Utilizing variant allele frequency, disease prevalence and penetrance estimates, and inheritance mode, an automated score was calculated to assess if this variant is too frequent to cause the disease. Based on the score and internal cut-off values, a variant classified as benign is not then subjected to further curation. The score for this variant resulted in a classification of benign for this disease.

Eurofins Ntd Llc (ga)
Classification: Benign. Last evaluated: 2015-05-19. Review status: criteria provided, single submitter. Criteria: EGL Classification Definitions 2015. Collection method: clinical testing. Allele origin: germline. Observed: 1 variant allele, 1 heterozygote.

Mayo Clinic Laboratories, Mayo Clinic
Classification: Benign. Last evaluated: 2015-05-18. Review status: criteria provided, single submitter. Criteria: ACMG Guidelines, 2015. Collection method: clinical testing. Allele origin: germline. Observed: 146 variant alleles.

GeneDx
Classification: Benign. Last evaluated: 2015-03-03. Review status: criteria provided, single submitter. Criteria: GeneDx Variant Classification Process June 2021. Collection method: clinical testing. Allele origin: germline. Affected: yes.

Laboratory for Molecular Medicine, Mass General Brigham Personalized Medicine
Classification: Benign. Last evaluated: 2007-07-06. Review status: criteria provided, single submitter. Criteria: LMM Criteria. Collection method: clinical testing. Allele origin: germline. Observed: 173 variant alleles.

Breakthrough Genomics
Classification: Benign. Review status: criteria provided, single submitter. Criteria: ACMG Guidelines, 2015. Collection method: not provided. Allele origin: germline. Inheritance: Autosomal dominant inheritance. Affected: yes.

PreventionGenetics, part of Exact Sciences
Classification: Benign. Review status: criteria provided, single submitter. Criteria: ACMG Guidelines, 2015. Collection method: clinical testing. Allele origin: germline.

Greenwood Genetic Center Diagnostic Laboratories, Greenwood Genetic Center
Classification: Benign. Last evaluated: 2015-01-15. Review status: no assertion criteria provided. Collection method: clinical testing. Allele origin: germline. Not counted in ClinVar's aggregate classification.

Clinical Genetics, Academic Medical Center
Classification: Benign. Review status: no assertion criteria provided. Collection method: clinical testing. Allele origin: germline. Affected: yes. Study: VKGL Data-share Consensus. Not counted in ClinVar's aggregate classification.

Laboratory of Diagnostic Genome Analysis, Leiden University Medical Center (LUMC)
Classification: Likely benign. Review status: no assertion criteria provided. Collection method: clinical testing. Allele origin: germline. Affected: yes. Study: VKGL Data-share Consensus. Not counted in ClinVar's aggregate classification.